The following is an entry in ClinVar:

ClinVar aggregate classification (germline): Uncertain significance (1 of 4 stars; one submission).

Allele frequency attached by ClinVar (database versions not stated): TOPMed below 0.00001; gnomAD exomes 0.00001; gnomAD 0.00001.
gnomAD v4.1: 9 of 1,563,638 alleles (0.00058%); highest among the groups gnomAD compares: East Asian, 0.0023%; no homozygotes.

Submission:

Labcorp Genetics (formerly Invitae), Labcorp
Classification: Uncertain significance. Last evaluated: 2025-01-06. Review status: criteria provided, single submitter. Criteria: Invitae Variant Classification Sherloc (09022015). Collection method: clinical testing. Allele origin: germline.
Comment: This sequence change falls in intron 20 of the CDH23 gene. It does not directly change the encoded amino acid sequence of the CDH23 protein. It affects a nucleotide within the consensus splice site. The frequency data for this variant in the population databases is considered unreliable, as metrics indicate poor data quality at this position in the gnomAD database. This variant has not been reported in the literature in individuals affected with CDH23-related conditions. ClinVar contains an entry for this variant (Variation ID: 1517530). Variants that disrupt the consensus splice site are a relatively common cause of aberrant splicing (PMID: 17576681, 9536098). Algorithms developed to predict the effect of sequence changes on RNA splicing suggest that this variant is not likely to affect RNA splicing. In summary, the available evidence is currently insufficient to determine the role of this variant in disease. Therefore, it has been classified as a Variant of Uncertain Significance.

Literature cited by the submitters: PubMed 17576681; PubMed 9536098.

NM_022124.6(CDH23):c.2176+6C>T

Gene: CDH23 (cadherin related 23; plus strand). Cytogenetic location: 10q22.1.
Variant type: single nucleotide variant.
Coding change: c.2176+6C>T on transcript NM_022124.6 (MANE Select); 6 bases into the intron after coding-DNA position 2176, C replaced by T.
Molecular consequence: intron variant.
Genome position (GRCh38, 1-based): chr10:71,690,590, C>T. VCF-style: chr10-71690590-C-T. GRCh37 (hg19) VCF-style: chr10-73450347-C-T.
Other names: c.2176+6C>T (NM_001171930.2, NM_001171931.2).
Identifiers: ClinVar variation 1517530 (VCV001517530.4), dbSNP rs1190876104, ClinGen allele CA594315320.